The following is an entry in ClinVar:

NM_000548.5(TSC2):c.3883+8C>T

Gene: TSC2 (TSC complex subunit 2; plus strand). Cytogenetic location: 16p13.3.
Variant type: single nucleotide variant.
Coding change: c.3883+8C>T on transcript NM_000548.5 (MANE Select); 8 bases into the intron after coding-DNA position 3883, C replaced by T.
Molecular consequence: intron variant.
Genome position (GRCh38, 1-based): chr16:2,082,512, C>T. VCF-style: chr16-2082512-C-T. GRCh37 (hg19) VCF-style: chr16-2132513-C-T.
Other names: c.3814+714C>T (NM_001114382.3); c.3754+8C>T (NM_021055.3, NM_001370405.1); c.3685+714C>T (NM_001363528.2); c.3751+8C>T (NM_001370404.1); c.3682+714C>T (NM_001077183.3); c.3574+714C>T (NM_001318827.2); c.3151+8C>T (NM_001318831.2); c.3538+714C>T (NM_001318829.2); and 1 more.
Identifiers: ClinVar variation 1088861 (VCV001088861.10), dbSNP rs45517316, ClinGen allele CA2202040515.
Genomic context (GRCh38, chr16:2,082,512, plus strand): 5'-CCTGTACCAGTCCAGCTGCCAAGGACAGCTGCACAGGAGCGTTTCCTGGGCAGGTATCGC[C>T]TCTCAGAGGGAAGCGGTTGGCTGCAGAGCGCCACTCTGCCTCATAGGTGCTGTGCTCGTC-3'

ClinVar aggregate classification (germline): Likely benign. Review status: criteria provided, multiple submitters, no conflicts (2 of 4 stars). 2 submissions from 2 submitters: Likely benign (2). Last evaluated 2025-06-02.

Conditions:
Tuberous sclerosis 2 (TSC2). Identifiers: Orphanet 805, MedGen C1860707, MONDO:0013199, OMIM 613254.

Allele frequency attached by ClinVar (database versions not stated): 1000 Genomes Project 30x 0.00047.

Submissions (2):

Myriad Genetics, Inc.
Classification: Likely benign for Tuberous sclerosis 2. Last evaluated: 2025-06-02. Review status: criteria provided, single submitter. Criteria: Myriad Autosomal Dominant, Autosomal Recessive and X-Linked Classification Criteria (2023). Collection method: clinical testing. Allele origin: unknown.
Comment: This variant is considered likely benign. This variant is intronic and is not expected to impact mRNA splicing.

Labcorp Genetics (formerly Invitae), Labcorp
Classification: Likely benign for Tuberous sclerosis 2. Last evaluated: 2020-08-25. Review status: criteria provided, single submitter. Criteria: Invitae Variant Classification Sherloc (09022015). Collection method: clinical testing. Allele origin: germline.